The following is an entry in ClinVar:

NM_182943.3(PLOD2):c.1006-6T>G

Gene: PLOD2 (procollagen-lysine,2-oxoglutarate 5-dioxygenase 2; minus strand). Cytogenetic location: 3q24.
Variant type: single nucleotide variant.
Coding change: c.1006-6T>G on transcript NM_182943.3 (MANE Select); 6 bases into the intron before coding-DNA position 1006, T replaced by G.
Molecular consequence: intron variant.
Genome position (GRCh38, 1-based): chr3:146,086,914, A>C on the plus strand (T>G on the coding strand, the complement: PLOD2 is on the minus strand). VCF-style: chr3-146086914-A-C. GRCh37 (hg19) VCF-style: chr3-145804701-A-C.
Other names: c.1006-6T>G (NM_000935.3).
Identifiers: ClinVar variation 2029321 (VCV002029321.4), dbSNP rs2473257584, ClinGen allele CA2580068899.
Genomic context (GRCh38, chr3:146,086,914, plus strand): 5'-TTTCATGCTTAGCTTTATCAAAAAATACCTTGATGTCCTTTTCATGATAAACTTCCTGTA[A>C]CATATTTTAAAAATCAAAAATTAGAGAATAAGACAATCAGATGACTGAAGTATTCATATT-3'

ClinVar aggregate classification (germline): Uncertain significance (1 of 4 stars; one submission).

Submission:

Labcorp Genetics (formerly Invitae), Labcorp
Classification: Uncertain significance. Last evaluated: 2022-09-07. Review status: criteria provided, single submitter. Criteria: Invitae Variant Classification Sherloc (09022015). Collection method: clinical testing. Allele origin: germline.
Comment: In summary, the available evidence is currently insufficient to determine the role of this variant in disease. Therefore, it has been classified as a Variant of Uncertain Significance. Algorithms developed to predict the effect of sequence changes on RNA splicing suggest that this variant may disrupt the consensus splice site. This variant has not been reported in the literature in individuals affected with PLOD2-related conditions. This variant is not present in population databases (gnomAD no frequency). This sequence change falls in intron 9 of the PLOD2 gene. It does not directly change the encoded amino acid sequence of the PLOD2 protein.